The following is an entry in ClinVar:

ClinVar aggregate classification (germline): Uncertain significance (1 of 4 stars; one submission).

Conditions:
Hypertrophic cardiomyopathy 26. Also called: Cardiomyopathy, familial hypertrophic, 26. Identifiers: Orphanet 75249, MedGen C4310749, MONDO:0014883, OMIM 617047.
Myofibrillar myopathy 5. Also called: Filaminopathy (type); FILAMINOPATHY, AUTOSOMAL DOMINANT. Identifiers: Orphanet 171445, MedGen C1836050, MONDO:0012289, OMIM 609524.
Distal myopathy with posterior leg and anterior hand involvement. Also called: WILLIAMS DISTAL MYOPATHY. Identifiers: Orphanet 63273, MedGen C3279722, MONDO:0013550, OMIM 614065.

Submission:

Labcorp Genetics (formerly Invitae), Labcorp
Classification: Uncertain significance for Distal myopathy with posterior leg and anterior hand involvement; Myofibrillar myopathy 5; Hypertrophic cardiomyopathy 26. Last evaluated: 2021-05-31. Review status: criteria provided, single submitter. Criteria: Invitae Variant Classification Sherloc (09022015). Collection method: clinical testing. Allele origin: germline.
Comment: This sequence change replaces serine with asparagine at codon 1863 of the FLNC protein (p.Ser1863Asn). The serine residue is moderately conserved and there is a small physicochemical difference between serine and asparagine. In summary, the available evidence is currently insufficient to determine the role of this variant in disease. Therefore, it has been classified as a Variant of Uncertain Significance. Algorithms developed to predict the effect of missense changes on protein structure and function are either unavailable or do not agree on the potential impact of this missense change (SIFT: "Deleterious"; PolyPhen-2: "Benign"; Align-GVGD: "Class C0"). This variant has not been reported in the literature in individuals with FLNC-related conditions. This variant is not present in population databases (ExAC no frequency).

NM_001458.5(FLNC):c.5588G>A (p.Ser1863Asn)

Genes: FLNC-AS1 (FLNC antisense RNA 1; minus strand), FLNC (filamin C; plus strand). Cytogenetic location: 7q32.1.
Variant type: single nucleotide variant.
Coding change: c.5588G>A on transcript NM_001458.5 (MANE Select); coding-DNA position 5588, G replaced by A.
Protein change: p.Ser1863Asn; replaces serine 1863 with asparagine.
Molecular consequence: missense variant.
Genome position (GRCh38, 1-based): chr7:128,851,280, G>A. VCF-style: chr7-128851280-G-A. GRCh37 (hg19) VCF-style: chr7-128491334-G-A.
Other names: c.5489G>A, p.Ser1830Asn (NM_001127487.2); short protein forms S1830N, S1863N.
Identifiers: ClinVar variation 1502421 (VCV001502421.8), dbSNP rs1224825896, ClinGen allele CA369207388.
Genomic context (GRCh38, chr7:128,851,280, plus strand): 5'-CTGTATCCCCAGGGAGCCCCTTACAGTTCTATGTGGATGCCATCAACAGCCGCCATGTCA[G>A]TGCCTATGGGCCAGGCCTGAGCCATGGCATGGTCAACAAGCCAGCCACCTTCACTATTGT-3'
Protein context (NP_001449.3, residues 1853-1873): YVDAINSRHV[Ser1863Asn]AYGPGLSHGM